The following is an entry in ClinVar:

NM_024721.5(ZFHX4):c.8162G>T (p.Gly2721Val)

Gene: ZFHX4 (zinc finger homeobox 4; plus strand). Cytogenetic location: 8q21.13.
Variant type: single nucleotide variant.
Coding change: c.8162G>T on transcript NM_024721.5 (MANE Select); coding-DNA position 8162, G replaced by T.
Protein change: p.Gly2721Val; replaces glycine 2721 with valine.
Molecular consequence: missense variant.
Genome position (GRCh38, 1-based): chr8:76,855,083, G>T. VCF-style: chr8-76855083-G-T. GRCh37 (hg19) VCF-style: chr8-77767319-G-T.
Other names: c.8084G>T, p.Gly2695Val (NM_001410934.1); short protein forms G2695V, G2721V.
Identifiers: ClinVar variation 3900252 (VCV003900252.1).
Genomic context (GRCh38, chr8:76,855,083, plus strand): 5'-AAGGAAAGCAGGCAGGTTACAGCTTGCCACCAAGCCCTTTAATATCCACCGAAGATGGGG[G>T]AGAAAGCCCACAGAAATACATCTATTTTGATTACCCATCTTTGCCATTAACTAAAATTGA-3'
Protein context (NP_078997.4, residues 2711-2731): PSPLISTEDG[Gly2721Val]ESPQKYIYFD

ClinVar aggregate classification (germline): Uncertain significance (1 of 4 stars; one submission).

Submission:

GeneDx
Classification: Uncertain significance. Last evaluated: 2022-01-24. Review status: criteria provided, single submitter. Criteria: GeneDx Variant Classification Process June 2021. Collection method: clinical testing. Allele origin: germline. Affected: yes.
Comment: Not observed at significant frequency in large population cohorts (gnomAD); In silico analysis supports that this missense variant has a deleterious effect on protein structure/function; Has not been previously published as pathogenic or benign to our knowledge; Variants in candidate genes are classified as variants of uncertain significance in accordance with ACMG guidelines (Richards et al., 2015)